The following is an entry in ClinVar:

NM_006302.3(MOGS):c.2021G>C (p.Arg674Pro)

Gene: MOGS (mannosyl-oligosaccharide glucosidase; minus strand). Cytogenetic location: 2p13.1.
Variant type: single nucleotide variant.
Coding change: c.2021G>C on transcript NM_006302.3 (MANE Select); coding-DNA position 2021, G replaced by C.
Protein change: p.Arg674Pro; replaces arginine 674 with proline.
Molecular consequence: missense variant.
Genome position (GRCh38, 1-based): chr2:74,461,768, C>G on the plus strand (G>C on the coding strand, the complement: MOGS is on the minus strand). VCF-style: chr2-74461768-C-G. GRCh37 (hg19) VCF-style: chr2-74688895-C-G.
Other names: c.1703G>C, p.Arg568Pro (NM_001146158.2); short protein forms R674P, R568P.
Identifiers: ClinVar variation 1979780 (VCV001979780.4), dbSNP rs200966949, ClinGen allele CA1724678.

ClinVar aggregate classification (germline): Uncertain significance (1 of 4 stars; one submission).

Conditions:
MOGS-congenital disorder of glycosylation. Also called: CDG IIb; GLUCOSIDASE I DEFICIENCY; CDG 2B; MOGS-CDG. Identifiers: Orphanet 79330, MedGen C1853736, MONDO:0011629, OMIM 606056.

Submission:

Labcorp Genetics (formerly Invitae), Labcorp
Classification: Uncertain significance for MOGS-congenital disorder of glycosylation. Last evaluated: 2022-03-25. Review status: criteria provided, single submitter. Criteria: Invitae Variant Classification Sherloc (09022015). Collection method: clinical testing. Allele origin: germline.
Comment: In summary, the available evidence is currently insufficient to determine the role of this variant in disease. Therefore, it has been classified as a Variant of Uncertain Significance. Algorithms developed to predict the effect of missense changes on protein structure and function are either unavailable or do not agree on the potential impact of this missense change (SIFT: "Deleterious"; PolyPhen-2: "Probably Damaging"; Align-GVGD: "Class C0"). This variant has not been reported in the literature in individuals affected with MOGS-related conditions. This variant is present in population databases (rs200966949, gnomAD 0.0009%). This sequence change replaces arginine, which is basic and polar, with proline, which is neutral and non-polar, at codon 674 of the MOGS protein (p.Arg674Pro).